The following is an entry in ClinVar:

ClinVar aggregate classification (germline): Uncertain significance. Review status: criteria provided, multiple submitters, no conflicts (2 of 4 stars). 7 submissions from 7 submitters: Uncertain significance (6). 1 of the submissions does not count toward it. Last evaluated 2025-06-11.

Conditions:
BBS9-related disorder. Also called: BBS9-related condition.
Optic atrophy. Identifiers: MedGen C0029124, MONDO:0003608, HP:0000648.
Bardet-Biedl syndrome (BBS). Identifiers: Orphanet 110, MedGen C0752166, MONDO:0015229.
Bardet-Biedl syndrome 9 (BBS9). Identifiers: Orphanet 110, MedGen C1859567, MONDO:0014437, OMIM 615986.
Inborn genetic diseases. Identifiers: MedGen C0950123, MeSH D030342.

Allele frequency attached by ClinVar (database versions not stated): gnomAD exomes 0.00004 and 0.00010; gnomAD 0.00008 and 0.00009; ExAC 0.00009; TOPMed 0.00012.
gnomAD v4.1: 71 of 1,613,992 alleles (0.0044%); highest among the groups gnomAD compares: East Asian, 0.11%; no homozygotes.

Submissions (7):

PreventionGenetics, part of Exact Sciences
Classification: Uncertain significance for BBS9-related condition. Last evaluated: 2025-06-11. Review status: criteria provided, single submitter. Criteria: ACMG Guidelines, 2015. Collection method: clinical testing. Allele origin: germline.
Comment: The BBS9 c.2509A>G variant is predicted to result in the amino acid substitution p.Met837Val. To our knowledge, this variant has not been reported in the literature. This variant is reported in 0.13% of alleles in individuals of East Asian descent in gnomAD, which may be too frequent for a disease-causing variant. Although we suspect that this variant may be benign, at this time, the clinical significance of this variant is uncertain due to the absence of conclusive functional and genetic evidence.

Ambry Genetics
Classification: Uncertain significance for Inborn genetic diseases. Last evaluated: 2024-11-14. Review status: criteria provided, single submitter. Criteria: Ambry Variant Classification Scheme 2023. Collection method: clinical testing. Allele origin: germline.

Labcorp Genetics (formerly Invitae), Labcorp
Classification: Uncertain significance for Bardet-Biedl syndrome. Last evaluated: 2022-07-17. Review status: criteria provided, single submitter. Criteria: Invitae Variant Classification Sherloc (09022015). Collection method: clinical testing. Allele origin: germline.
Comment: This sequence change replaces methionine, which is neutral and non-polar, with valine, which is neutral and non-polar, at codon 837 of the BBS9 protein (p.Met837Val). This variant is present in population databases (rs771310981, gnomAD 0.1%). This variant has not been reported in the literature in individuals affected with BBS9-related conditions. ClinVar contains an entry for this variant (Variation ID: 908206). Algorithms developed to predict the effect of missense changes on protein structure and function are either unavailable or do not agree on the potential impact of this missense change (SIFT: "Deleterious"; PolyPhen-2: "Benign"; Align-GVGD: "Class C0"). In summary, the available evidence is currently insufficient to determine the role of this variant in disease. Therefore, it has been classified as a Variant of Uncertain Significance.

Fulgent Genetics
Classification: Uncertain significance for Bardet-Biedl syndrome 9. Last evaluated: 2022-03-08. Review status: criteria provided, single submitter. Criteria: ACMG Guidelines, 2015. Collection method: clinical testing. Allele origin: unknown.

Blueprint Genetics
Classification: Uncertain significance. Last evaluated: 2020-07-01. Review status: criteria provided, single submitter. Criteria: ACMG Guidelines, 2015. Collection method: clinical testing. Allele origin: germline.

Illumina Laboratory Services, Illumina
Classification: Uncertain significance for Bardet-Biedl syndrome 9. Last evaluated: 2018-01-13. Review status: criteria provided, single submitter. Criteria: ICSL Variant Classification Criteria 13 December 2019. Collection method: clinical testing. Allele origin: germline.

Institute of Human Genetics, Univ. Regensburg, Univ. Regensburg
Classification: Uncertain significance for Optic atrophy. Last evaluated: 2022-01-01. Review status: no assertion criteria provided. Criteria: ACMG Guidelines, 2015. Collection method: clinical testing. Allele origin: germline. Affected: yes. Not counted in ClinVar's aggregate classification.

NM_198428.3(BBS9):c.2509A>G (p.Met837Val)

Gene: BBS9 (Bardet-Biedl syndrome 9; plus strand). Cytogenetic location: 7p14.3.
Variant type: single nucleotide variant.
Coding change: c.2509A>G on transcript NM_198428.3 (MANE Select); coding-DNA position 2509, A replaced by G.
Protein change: p.Met837Val; replaces methionine 837 with valine.
Molecular consequence: missense variant. On other transcripts: non-coding transcript variant (3).
Genome position (GRCh38, 1-based): chr7:33,534,164, A>G. VCF-style: chr7-33534164-A-G. GRCh37 (hg19) VCF-style: chr7-33573776-A-G.
Other names: c.2404A>G, p.Met802Val (NM_001033604.2); c.2494A>G, p.Met832Val (NM_001033605.2); c.2509A>G, p.Met837Val (NM_001348036.1, NM_001348041.4, NM_001348043.3 and 1 more transcripts); c.1960A>G, p.Met654Val (NM_001348037.3); c.2236A>G, p.Met746Val (NM_001348038.3); c.2131A>G, p.Met711Val (NM_001348039.3); c.2389A>G, p.Met797Val (NM_001348040.3, NM_014451.4); c.2374A>G, p.Met792Val (NM_001348042.3); and 2 more; short protein forms M680V, M832V, M654V, M746V, M837V, M715V, M792V, M797V.
Identifiers: ClinVar variation 908206 (VCV000908206.13), dbSNP rs771310981, ClinGen allele CA4214704.